The following is an entry in ClinVar:

ClinVar aggregate classification (germline): Uncertain significance (1 of 4 stars; one submission).

Conditions:
Adams-Oliver syndrome 5 (AOS5). Identifiers: Orphanet 974, MedGen C4014970, MONDO:0014459, OMIM 616028.

gnomAD v4.1: 1 of 1,604,568 alleles (0.000062%); highest among the groups gnomAD compares: Non-Finnish European, 0.000085%; no homozygotes.

Submission:

Labcorp Genetics (formerly Invitae), Labcorp
Classification: Uncertain significance for Adams-Oliver syndrome 5. Last evaluated: 2023-11-08. Review status: criteria provided, single submitter. Criteria: Invitae Variant Classification Sherloc (09022015). Collection method: clinical testing. Allele origin: germline.
Comment: This sequence change replaces leucine, which is neutral and non-polar, with valine, which is neutral and non-polar, at codon 2408 of the NOTCH1 protein (p.Leu2408Val). This variant is not present in population databases (gnomAD no frequency). This variant has not been reported in the literature in individuals affected with NOTCH1-related conditions. Advanced modeling of protein sequence and biophysical properties (such as structural, functional, and spatial information, amino acid conservation, physicochemical variation, residue mobility, and thermodynamic stability) performed at Invitae indicates that this missense variant is not expected to disrupt NOTCH1 protein function with a negative predictive value of 95%. In summary, the available evidence is currently insufficient to determine the role of this variant in disease. Therefore, it has been classified as a Variant of Uncertain Significance.

NM_017617.5(NOTCH1):c.7222C>G (p.Leu2408Val)

Gene: NOTCH1 (notch receptor 1; minus strand). Cytogenetic location: 9q34.3.
Variant type: single nucleotide variant.
Coding change: c.7222C>G on transcript NM_017617.5 (MANE Select); coding-DNA position 7222, C replaced by G.
Protein change: p.Leu2408Val; replaces leucine 2408 with valine.
Molecular consequence: missense variant.
Genome position (GRCh38, 1-based): chr9:136,496,517, G>C on the plus strand (C>G on the coding strand, the complement: NOTCH1 is on the minus strand). VCF-style: chr9-136496517-G-C. GRCh37 (hg19) VCF-style: chr9-139390969-G-C.
Other names: short protein forms L2408V.
Identifiers: ClinVar variation 2694365 (VCV002694365.3), dbSNP rs1381801448, ClinGen allele CA375627613.